The following is an entry in ClinVar:

ClinVar aggregate classification (germline): Uncertain significance (1 of 4 stars; one submission).

Conditions:
Ectodermal dysplasia and immunodeficiency 2. Identifiers: Orphanet 238468, Orphanet 98813, MedGen C2677481, MONDO:0012806, OMIM 612132.

gnomAD v4.1: 1 of 1,613,032 alleles (0.000062%); highest among the groups gnomAD compares: Non-Finnish European, 0.000085%; no homozygotes.

Submission:

Labcorp Genetics (formerly Invitae), Labcorp
Classification: Uncertain significance for Ectodermal dysplasia and immunodeficiency 2. Last evaluated: 2026-01-20. Review status: criteria provided, single submitter. Criteria: Invitae Variant Classification Sherloc (09022015). Collection method: clinical testing. Allele origin: germline.
Comment: This sequence change replaces cysteine, which is neutral and slightly polar, with serine, which is neutral and polar, at codon 156 of the NFKBIA protein (p.Cys156Ser). This variant is not present in population databases (gnomAD no frequency). This variant has not been reported in the literature in individuals affected with NFKBIA-related conditions. An algorithm developed to predict the effect of missense changes on protein structure and function outputs the following: PolyPhen-2: "Benign". The serine amino acid residue is found in multiple mammalian species, which suggests that this missense change does not adversely affect protein function. In summary, the available evidence is currently insufficient to determine the role of this variant in disease. Therefore, it has been classified as a Variant of Uncertain Significance.

NM_020529.3(NFKBIA):c.467G>C (p.Cys156Ser)

Gene: NFKBIA (NFKB inhibitor alpha; minus strand). Cytogenetic location: 14q13.2.
Variant type: single nucleotide variant.
Coding change: c.467G>C on transcript NM_020529.3 (MANE Select); coding-DNA position 467, G replaced by C.
Protein change: p.Cys156Ser; replaces cysteine 156 with serine.
Molecular consequence: missense variant.
Genome position (GRCh38, 1-based): chr14:35,403,230, C>G on the plus strand (G>C on the coding strand, the complement: NFKBIA is on the minus strand). VCF-style: chr14-35403230-C-G. GRCh37 (hg19) VCF-style: chr14-35872436-C-G.
Other names: short protein forms C156S.
Identifiers: ClinVar variation 4735869 (VCV004735869.1).
Genomic context (GRCh38, chr14:35,403,230, plus strand): 5'-AGGATGGAGTGGAGGTGCGGGGTGGTGCAGGACTGAGTCAGGACTCCCACGCTGGCCAGG[C>G]AGCCCTGCTCACAGGCAAGGTGTAGGGGGGTATTTCCTCGAAAGTCTCGGAGCTCAGGAT-3'
Protein context (NP_065390.1, residues 146-166): TPLHLACEQG[Cys156Ser]LASVGVLTQS